The following is an entry in ClinVar:

ClinVar aggregate classification (germline): Uncertain significance (1 of 4 stars; one submission).

Allele frequency attached by ClinVar (database versions not stated): gnomAD exomes below 0.00001.
gnomAD v4.1: 1 of 1,613,230 alleles (0.000062%); highest among the groups gnomAD compares: Non-Finnish European, 0.000085%; no homozygotes.

Submission:

Labcorp Genetics (formerly Invitae), Labcorp
Classification: Uncertain significance. Last evaluated: 2022-05-15. Review status: criteria provided, single submitter. Criteria: Invitae Variant Classification Sherloc (09022015). Collection method: clinical testing. Allele origin: germline.
Comment: This sequence change replaces proline, which is neutral and non-polar, with threonine, which is neutral and polar, at codon 644 of the COL2A1 protein (p.Pro644Thr). This variant is not present in population databases (gnomAD no frequency). This variant has not been reported in the literature in individuals affected with COL2A1-related conditions. Advanced modeling of protein sequence and biophysical properties (such as structural, functional, and spatial information, amino acid conservation, physicochemical variation, residue mobility, and thermodynamic stability) performed at Invitae indicates that this missense variant is not expected to disrupt COL2A1 protein function. In summary, the available evidence is currently insufficient to determine the role of this variant in disease. Therefore, it has been classified as a Variant of Uncertain Significance.

NM_001844.5(COL2A1):c.1930C>A (p.Pro644Thr)

Gene: COL2A1 (collagen type II alpha 1 chain; minus strand). Cytogenetic location: 12q13.11.
Variant type: single nucleotide variant.
Coding change: c.1930C>A on transcript NM_001844.5 (MANE Select); coding-DNA position 1930, C replaced by A.
Protein change: p.Pro644Thr; replaces proline 644 with threonine.
Molecular consequence: missense variant.
Genome position (GRCh38, 1-based): chr12:47,984,098, G>T on the plus strand (C>A on the coding strand, the complement: COL2A1 is on the minus strand). VCF-style: chr12-47984098-G-T. GRCh37 (hg19) VCF-style: chr12-48377881-G-T.
Other names: c.1723C>A, p.Pro575Thr (NM_033150.3); short protein forms P644T, P575T.
Identifiers: ClinVar variation 2099110 (VCV002099110.4), dbSNP rs2540141601, ClinGen allele CA384548826.
Genomic context (GRCh38, chr12:47,984,098, plus strand): 5'-CCCAGCCCCTGCCCCCAGGGCCACCTGGGGAGGCTGGGCAGGTACTTACAGCAGGGCCAG[G>T]GGGTCCTGCAGCACCTGTCTCACCATCTTTGCCAGGAAGACCCTAGACAGAAGAGAAAAA-3'
Protein context (NP_001835.3, residues 634-654): KDGETGAAGP[Pro644Thr]GPAGPAGERG